The following is an entry in ClinVar:

NM_001162501.2(TNRC6B):c.917G>A (p.Ser306Asn)

Gene: TNRC6B (trinucleotide repeat containing adaptor 6B; plus strand). Cytogenetic location: 22q13.1.
Variant type: single nucleotide variant.
Coding change: c.917G>A on transcript NM_001162501.2 (MANE Select); coding-DNA position 917, G replaced by A.
Protein change: p.Ser306Asn; replaces serine 306 with asparagine.
Molecular consequence: missense variant. On other transcripts: intron variant (1).
Genome position (GRCh38, 1-based): chr22:40,265,147, G>A. VCF-style: chr22-40265147-G-A. GRCh37 (hg19) VCF-style: chr22-40661151-G-A.
Other names: c.917G>A, p.Ser306Asn (NM_015088.3); c.565+2974G>A (NM_001024843.2); short protein forms S306N.
Identifiers: ClinVar variation 1805599 (VCV001805599.1), dbSNP rs752331221, ClinGen allele CA324418338.

ClinVar aggregate classification (germline): Uncertain significance (1 of 4 stars; one submission).

Conditions:
Neurodevelopmental disorder. Identifiers: MedGen C1535926, MeSH D065886, MONDO:0700092.

Allele frequency attached by ClinVar (database versions not stated): gnomAD exomes below 0.00001.

Submission:

Victorian Clinical Genetics Services, Murdoch Childrens Research Institute
Classification: Uncertain significance for Neurodevelopmental disorder. Last evaluated: 2020-10-19. Review status: criteria provided, single submitter. Criteria: ACMG Guidelines, 2015. Collection method: clinical testing. Allele origin: germline. Inheritance: Autosomal dominant inheritance.
Comment: Based on the classification scheme VCGS_Germline_v1.3.3, this variant is classified as VUS - 3C. Following criteria are met: 0102 - Loss of function is a known mechanism of disease in this gene and is associated with TNCR6B-related neurodevelopmental syndrome (PMID: 32152250). (I) 0107 - This gene is associated with autosomal dominant disease. (I) 0200 - Variant is predicted to result in a missense amino acid change from serine to asparagine. (I) 0219 - This variant is non-coding in an alternative transcript. However, this variant is protein coding in the longest transcript (NCBI). (I) 0251 - This variant is heterozygous. (I) 0301 - Variant is absent from gnomAD (both v2 and v3). (SP) 0503 - Missense variant consistently predicted to be tolerated by multiple in silico tools or not conserved in placental mammals with a minor amino acid change. (SB) 0604 - Variant is not located in an established domain, motif, hotspot or informative constraint region. (I) 0705 - No comparable missense variants have previous evidence for pathogenicity. (I) 0807 - This variant has no previous evidence of pathogenicity. (I) 0905 - No published segregation evidence has been identified for this variant. (I) 1007 - No published functional evidence has been identified for this variant. (I) 1208 - Inheritance information for this variant is not currently available in this individual. (I) Legend: (SP) - Supporting pathogenic, (I) - Information, (SB) - Supporting benign

Literature cited by the submitters: PubMed 32152250.